The following is an entry in ClinVar:

NM_001267550.2(TTN):c.62708_62709insGGCCGGGCGCGGTGGCTCACGCCTGTAATCCCAGCACTTTGGGAGGCCGAGGCGGGTGGATCATGAGGTCAGGAGATCGAGACCATCCTGGCTAACAAGGTGAAACCCCNNNNNNNNNNAAAAAAAAAAAAAAAAAAAAGAAAA (p.Lys20903_Cys20904insAlaGlyArgGlyGlySerArgLeuTer)

Genes: TTN-AS1 (TTN antisense RNA 1; plus strand), TTN (titin; minus strand). Cytogenetic location: 2q31.2.
Variant type: Microsatellite.
Coding change: c.62708_62709insGGCCGGGCGCGGTGGCTCACGCCTGTAATCCCAGCACTTTGGGAGGCCGAGGCGGGTGGATCATGAGGTCAGGAGATCGAGACCATCCTGGCTAACAAGGTGAAACCCCNNNNNNNNNNAAAAAAAAAAAAAAAAAAAAGAAAA on transcript NM_001267550.2 (MANE Select); coding-DNA positions 62708 to 62709, GGCCGGGCGCGGTGGCTCACGCCTGTAATCCCAGCACTTTGGGAGGCCGAGGCGGGTGGATCATGAGGTCAGGAGATCGAGACCATCCTGGCTAACAAGGTGAAACCCCNNNNNNNNNNAAAAAAAAAAAAAAAAAAAAGAAAA inserted.
Protein change: p.Lys20903_Cys20904insAlaGlyArgGlyGlySerArgLeuTer.
Molecular consequence: nonsense, inframe insertion.
Genome position: GRCh38: chr2:178,589,017-178,589,022. GRCh37 (hg19): chr2:179,453,744-179,453,749.
Other names: c.57785_57786insGGCCGGGCGCGGTGGCTCACGCCTGTAATCCCAGCACTTTGGGAGGCCGAGGCGGGTGGATCATGAGGTCAGGAGATCGAGACCATCCTGGCTAACAAGGTGAAACCCCNNNNNNNNNNAAAAAAAAAAAAAAAAAAAAGAAAA, p.Lys19262_Cys19263insAlaGlyArgGlyGlySerArgLeuTer (NM_001256850.1); c.35513_35514insGGCCGGGCGCGGTGGCTCACGCCTGTAATCCCAGCACTTTGGGAGGCCGAGGCGGGTGGATCATGAGGTCAGGAGATCGAGACCATCCTGGCTAACAAGGTGAAACCCCNNNNNNNNNNAAAAAAAAAAAAAAAAAAAAGAAAA, p.Lys11838_Cys11839insAlaGlyArgGlyGlySerArgLeuTer (NM_003319.4); c.55004_55005insGGCCGGGCGCGGTGGCTCACGCCTGTAATCCCAGCACTTTGGGAGGCCGAGGCGGGTGGATCATGAGGTCAGGAGATCGAGACCATCCTGGCTAACAAGGTGAAACCCCNNNNNNNNNNAAAAAAAAAAAAAAAAAAAAGAAAA, p.Lys18335_Cys18336insAlaGlyArgGlyGlySerArgLeuTer (NM_133378.4); c.35888_35889insGGCCGGGCGCGGTGGCTCACGCCTGTAATCCCAGCACTTTGGGAGGCCGAGGCGGGTGGATCATGAGGTCAGGAGATCGAGACCATCCTGGCTAACAAGGTGAAACCCCNNNNNNNNNNAAAAAAAAAAAAAAAAAAAAGAAAA, p.Lys11963_Cys11964insAlaGlyArgGlyGlySerArgLeuTer (NM_133432.3); c.36089_36090insGGCCGGGCGCGGTGGCTCACGCCTGTAATCCCAGCACTTTGGGAGGCCGAGGCGGGTGGATCATGAGGTCAGGAGATCGAGACCATCCTGGCTAACAAGGTGAAACCCCNNNNNNNNNNAAAAAAAAAAAAAAAAAAAAGAAAA, p.Lys12030_Cys12031insAlaGlyArgGlyGlySerArgLeuTer (NM_133437.4).
Identifiers: ClinVar variation 1504514 (VCV001504514.9).

ClinVar aggregate classification (germline): Likely pathogenic (1 of 4 stars; one submission).

Conditions:
Dilated cardiomyopathy 1G (CMD1G). Identifiers: Orphanet 154, MedGen C1858763, MONDO:0011400, OMIM 604145.
Autosomal recessive limb-girdle muscular dystrophy type 2J (LGMDR10). Also called: MUSCULAR DYSTROPHY, LIMB-GIRDLE, AUTOSOMAL RECESSIVE 10; Limb-girdle muscular dystrophy, type 2J. Identifiers: Orphanet 140922, MedGen C1837342, MONDO:0012127, OMIM 608807.

Submission:

Labcorp Genetics (formerly Invitae), Labcorp
Classification: Likely pathogenic for Dilated cardiomyopathy 1G; Autosomal recessive limb-girdle muscular dystrophy type 2J. Last evaluated: 2021-02-23. Review status: criteria provided, single submitter. Criteria: Invitae Variant Classification Sherloc (09022015). Collection method: clinical testing. Allele origin: germline.
Comment: This variant is not present in population databases (ExAC no frequency). In summary, the currently available evidence indicates that the variant is pathogenic, but additional data are needed to prove that conclusively. Therefore, this variant has been classified as Likely Pathogenic. Retrotransposon insertions including LINE1 (L1), Alu, and SVA (SINE-VNTR-Alu) have been reported to disrupt protein function (PMID: 19763152, 20307669, 22406018). However the effect of this particular variant is unknown. This variant is located in the A band of TTN (PMID: 25589632). Truncating variants in this region are significantly overrepresented in patients affected with dilated cardiomyopathy (PMID: 25589632). Truncating variants in this region have also been reported in individuals affected with autosomal recessive centronuclear myopathy (PMID: 23975875). Algorithms developed to predict the effect of sequence changes on RNA splicing suggest that this variant may create or strengthen a splice site, but this prediction has not been confirmed by published transcriptional studies. This variant has not been reported in the literature in individuals with TTN-related conditions. This sequence change inserts a large fragment of DNA, likely a transposable element, in exon 304 of the TTN gene (c.62708_62709ins?), causing a frameshift at codon 20903 (p.Lys20903fs). The exact size and sequence of the insertion cannot be determined by the current assay. However, the insertion is expected to result in a disrupted protein product.

Literature cited by the submitters: PubMed 19763152; PubMed 20307669; PubMed 22406018; PubMed 25589632; PubMed 23975875.